The following is an entry in ClinVar:

ClinVar aggregate classification (germline): Uncertain significance (1 of 4 stars; one submission).

Conditions:
Epileptic encephalopathy. Identifiers: MedGen C0543888, HP:0200134.

Allele frequency attached by ClinVar (database versions not stated): gnomAD exomes below 0.00001.
gnomAD v4.1: 2 of 1,613,136 alleles (0.00012%); highest among the groups gnomAD compares: Non-Finnish European, 0.000085%; no homozygotes.

Submission:

Labcorp Genetics (formerly Invitae), Labcorp
Classification: Uncertain significance for Epileptic encephalopathy. Last evaluated: 2018-12-18. Review status: criteria provided, single submitter. Criteria: Invitae Variant Classification Sherloc (09022015). Collection method: clinical testing. Allele origin: germline.
Comment: This sequence change replaces asparagine with lysine at codon 464 of the RYR3 protein (p.Asn464Lys). The asparagine residue is moderately conserved and there is a moderate physicochemical difference between asparagine and lysine. This variant is not present in population databases (ExAC no frequency). This variant has not been reported in the literature in individuals with RYR3-related conditions. Algorithms developed to predict the effect of missense changes on protein structure and function (SIFT, PolyPhen-2, Align-GVGD) all suggest that this variant is likely to be tolerated, but these predictions have not been confirmed by published functional studies and their clinical significance is uncertain. In summary, the available evidence is currently insufficient to determine the role of this variant in disease. Therefore, it has been classified as a Variant of Uncertain Significance.

NM_001036.6(RYR3):c.1392C>G (p.Asn464Lys)

Gene: RYR3 (ryanodine receptor 3; plus strand). Cytogenetic location: 15q14.
Variant type: single nucleotide variant.
Coding change: c.1392C>G on transcript NM_001036.6 (MANE Select); coding-DNA position 1392, C replaced by G.
Protein change: p.Asn464Lys; replaces asparagine 464 with lysine.
Molecular consequence: missense variant.
Genome position (GRCh38, 1-based): chr15:33,580,099, C>G. VCF-style: chr15-33580099-C-G. GRCh37 (hg19) VCF-style: chr15-33872300-C-G.
Other names: c.1392C>G, p.Asn464Lys (NM_001243996.4); short protein forms N464K.
Identifiers: ClinVar variation 644555 (VCV000644555.1), dbSNP rs1324382972, ClinGen allele CA391568595.